The following is an entry in ClinVar:

ClinVar aggregate classification (germline): Pathogenic. Review status: criteria provided, single submitter (1 of 4 stars). 2 submissions from 2 submitters: Pathogenic (1). 1 of the submissions does not count toward it. Last evaluated 2026-08-27.

Conditions:
Myofibrillar myopathy 7. Identifiers: MedGen C4310711, MONDO:0014922, OMIM 617114.
Hereditary spastic paraplegia. Also called: Familial spastic paraparesis. Identifiers: Orphanet 685, MedGen C0037773, MONDO:0019064. Disease mechanism: loss of function.

Submissions (2):

Department of Molecular Genetics, Istishari Arab Hospital
Classification: Pathogenic for Myofibrillar myopathy 7. Last evaluated: 2026-08-27. Review status: criteria provided, single submitter. Criteria: ACMG Guidelines, 2015. Collection method: clinical testing. Allele origin: germline. Inheritance: Autosomal recessive inheritance. Affected: no.
Comment: The KY variant c.51_52insTATCGACATGTGCTGTATCTATCGACAT, p.(Val18Tyrfs*56), is a 28-bp insertion in exon 1 of 11, resulting in a frameshift and premature termination codon. This variant was previously reported in patients with autosomal recessive Myopathy, myofibrillar, 7 (PMID: 28488683). It is classified as pathogenic based on ACMG/AMP/ClinGen SVI guidelines.

The Morris Kahn Laboratory of Human Genetics, Ben-gurion University of the Negev
Classification: Pathogenic for Hereditary spastic paraplegia. Last evaluated: 2017-02-14. Review status: no assertion criteria provided. Collection method: research. Allele origin: inherited. Inheritance: Autosomal recessive inheritance. Affected: yes. Observed: 55 variant alleles, 43 heterozygotes, 12 homozygotes. Clinical features observed: Spastic paraplegia, Spastic paraparesis. Not counted in ClinVar's aggregate classification.
Comment: Variant segregates within affected families with a LOD score of 9.02 , more than 12 patients

Literature cited by the submitters: PubMed 28488683 (cited by Department of Molecular Genetics, Istishari Arab Hospital and The Morris Kahn Laboratory of Human Genetics, Ben-gurion University of the Negev).

NM_178554.6(KY):c.51_52insTATCGACATGTGCTGTATCTATCGACAT (p.Val18fs)

Genes: CEP63 (centrosomal protein 63; plus strand), KY (kyphoscoliosis peptidase; minus strand). Cytogenetic location: 3q22.2.
Variant type: Insertion.
Coding change: c.51_52insTATCGACATGTGCTGTATCTATCGACAT on transcript NM_178554.6 (MANE Select); coding-DNA positions 51 to 52, TATCGACATGTGCTGTATCTATCGACAT inserted.
Protein change: p.Val18fs; shifts the reading frame from valine 18.
Molecular consequence: frameshift variant.
Genome position: GRCh38 VCF-style: chr3-134650909-C-CATGTCGATAGATACAGCACATGTCGATA. GRCh37 (hg19) VCF-style: chr3-134369751-C-CATGTCGATAGATACAGCACATGTCGATA.
Other names: p.Val18Tyrfs*56; c.51_52insTATCGACATGTGCTGTATCTATCGACAT, p.Val18fs (NM_001350859.2, NM_001350860.2, NM_001366276.1 and 1 more transcripts); short protein forms V18fs.
Identifiers: ClinVar variation 402246 (VCV000402246.4), dbSNP rs1085307110, ClinGen allele CA645294028.